The following is an entry in ClinVar:

ClinVar aggregate classification (germline): Uncertain significance (1 of 4 stars; one submission).

gnomAD v4.1: 32 of 1,602,176 alleles (0.002%); highest among the groups gnomAD compares: South Asian, 0.012%; no homozygotes.

Submission:

Labcorp Genetics (formerly Invitae), Labcorp
Classification: Uncertain significance. Last evaluated: 2025-05-11. Review status: criteria provided, single submitter. Criteria: Invitae Variant Classification Sherloc (09022015). Collection method: clinical testing. Allele origin: germline.
Comment: This sequence change replaces valine, which is neutral and non-polar, with isoleucine, which is neutral and non-polar, at codon 672 of the DNA2 protein (p.Val672Ile). The frequency data for this variant in the population databases is considered unreliable, as metrics indicate poor data quality at this position in the gnomAD database. This variant has not been reported in the literature in individuals affected with DNA2-related conditions. Invitae Evidence Modeling of protein sequence and biophysical properties (such as structural, functional, and spatial information, amino acid conservation, physicochemical variation, residue mobility, and thermodynamic stability) has been performed for this missense variant. However, the output from this modeling did not meet the statistical confidence thresholds required to predict the impact of this variant on DNA2 protein function. In summary, the available evidence is currently insufficient to determine the role of this variant in disease. Therefore, it has been classified as a Variant of Uncertain Significance.

NM_001080449.3(DNA2):c.2014G>A (p.Val672Ile)

Gene: DNA2 (DNA replication helicase/nuclease 2; minus strand). Cytogenetic location: 10q21.3.
Variant type: single nucleotide variant.
Coding change: c.2014G>A on transcript NM_001080449.3 (MANE Select); coding-DNA position 2014, G replaced by A.
Protein change: p.Val672Ile; replaces valine 672 with isoleucine.
Molecular consequence: missense variant.
Genome position (GRCh38, 1-based): chr10:68,430,630, C>T on the plus strand (G>A on the coding strand, the complement: DNA2 is on the minus strand). VCF-style: chr10-68430630-C-T. GRCh37 (hg19) VCF-style: chr10-70190387-C-T.
Other names: short protein forms V672I.
Identifiers: ClinVar variation 4774087 (VCV004774087.1).